The following is an entry in ClinVar:

ClinVar aggregate classification (germline): Uncertain significance. Review status: criteria provided, multiple submitters, no conflicts (2 of 4 stars). 2 submissions from 2 submitters: Uncertain significance (2). Last evaluated 2025-11-05.

Conditions:
Inborn genetic diseases. Identifiers: MedGen C0950123, MeSH D030342.
Amyotrophic lateral sclerosis type 8 (ALS8). Identifiers: Orphanet 803, MedGen C1837728, MONDO:0012077, OMIM 608627.
Adult-onset proximal spinal muscular atrophy, autosomal dominant. Also called: Spinal muscular atrophy, late-onset, finkel type; FINKEL LATE-ADULT TYPE SMA. Identifiers: Orphanet 209335, MedGen C1854058, MONDO:0008453, OMIM 182980.

Allele frequency attached by ClinVar (database versions not stated): gnomAD exomes below 0.00001; gnomAD 0.00001; TOPMed 0.00001.
gnomAD v4.1: 4 of 1,613,830 alleles (0.00025%); highest among the groups gnomAD compares: Admixed American, 0.0017%; no homozygotes.

Submissions (2):

Labcorp Genetics (formerly Invitae), Labcorp
Classification: Uncertain significance for Adult-onset proximal spinal muscular atrophy, autosomal dominant; Amyotrophic lateral sclerosis type 8. Last evaluated: 2025-11-05. Review status: criteria provided, single submitter. Criteria: Invitae Variant Classification Sherloc (09022015). Collection method: clinical testing. Allele origin: germline.
Comment: This sequence change replaces serine, which is neutral and polar, with arginine, which is basic and polar, at codon 158 of the VAPB protein (p.Ser158Arg). This variant is not present in population databases (gnomAD no frequency). This variant has not been reported in the literature in individuals affected with VAPB-related conditions. ClinVar contains an entry for this variant (Variation ID: 1388758). Invitae Evidence Modeling of protein sequence and biophysical properties (such as structural, functional, and spatial information, amino acid conservation, physicochemical variation, residue mobility, and thermodynamic stability) has been performed for this missense variant. However, the output from this modeling did not meet the statistical confidence thresholds required to predict the impact of this variant on VAPB protein function. In summary, the available evidence is currently insufficient to determine the role of this variant in disease. Therefore, it has been classified as a Variant of Uncertain Significance.

Ambry Genetics
Classification: Uncertain significance for Inborn genetic diseases. Last evaluated: 2025-10-18. Review status: criteria provided, single submitter. Criteria: Ambry Variant Classification Scheme 2023. Collection method: clinical testing. Allele origin: germline.

NM_004738.5(VAPB):c.472A>C (p.Ser158Arg)

Gene: VAPB (VAMP associated protein B and C; plus strand). Cytogenetic location: 20q13.32.
Variant type: single nucleotide variant.
Coding change: c.472A>C on transcript NM_004738.5 (MANE Select); coding-DNA position 472, A replaced by C.
Protein change: p.Ser158Arg; replaces serine 158 with arginine.
Molecular consequence: missense variant. On other transcripts: non-coding transcript variant (1), intron variant (1).
Genome position (GRCh38, 1-based): chr20:58,440,982, A>C. VCF-style: chr20-58440982-A-C. GRCh37 (hg19) VCF-style: chr20-57016038-A-C.
Other names: c.212-3095A>C (NM_001195677.2); short protein forms S158R.
Identifiers: ClinVar variation 1388758 (VCV001388758.13), dbSNP rs773800478, ClinGen allele CA316275881.